The following is an entry in ClinVar:

ClinVar aggregate classification (germline): Pathogenic (1 of 4 stars; one submission).

Conditions:
Ehlers-Danlos syndrome due to tenascin-X deficiency (EDSCLL1). Also called: EDS DUE TO TNX DEFICIENCY; TNX DEFICIENCY; Ehlers-Danlos syndrome, classic-like, 1; EHLERS-DANLOS SYNDROME, CLASSIC-LIKE; TNXB-Related Classical-Like Ehlers-Danlos Syndrome. Identifiers: Orphanet 230839, MedGen C1848029, MONDO:0011670, OMIM 606408.

Submission:

Myriad Genetics, Inc.
Classification: Pathogenic for Ehlers-Danlos syndrome due to tenascin-X deficiency. Last evaluated: 2025-10-12. Review status: criteria provided, single submitter. Criteria: Myriad Autosomal Dominant, Autosomal Recessive and X-Linked Classification Criteria (2023). Collection method: clinical testing. Allele origin: unknown.
Comment: NM_019105.6(TNXB):c.10591G>T(G3531*) is expected to be pathogenic in the context of classical-like Ehlers-Danlos syndrome, TNXB-related. This variant is predicted to lead to an abnormal or absent protein product due to the creation of a premature termination codon in TNXB, a gene where loss-of-function variants are known to be pathogenic. Please note: this variant was assessed in the context of healthy population screening.

NM_001365276.2(TNXB):c.10597G>T (p.Gly3533Ter)

Gene: TNXB (tenascin XB; minus strand). Cytogenetic location: 6p21.33.
Variant type: single nucleotide variant.
Coding change: c.10597G>T on transcript NM_001365276.2 (MANE Select); coding-DNA position 10597, G replaced by T.
Protein change: p.Gly3533Ter; replaces glycine 3533 with a stop codon.
Molecular consequence: nonsense.
Genome position (GRCh38, 1-based): chr6:32,046,184, C>A on the plus strand (G>T on the coding strand, the complement: TNXB is on the minus strand). VCF-style: chr6-32046184-C-A. GRCh37 (hg19) VCF-style: chr6-32013961-C-A.
Other names: c.11338G>T, p.Gly3780Ter (NM_001428335.1); c.10591G>T, p.Gly3531Ter (NM_019105.8); short protein forms G3531*, G3533*, G3780*.
Identifiers: ClinVar variation 5015080 (VCV005015080.1).